The following is an entry in ClinVar:

ClinVar aggregate classification (germline): Uncertain significance (1 of 4 stars; one submission).

Allele frequency attached by ClinVar (database versions not stated): gnomAD 0.00001.
gnomAD v4.1: 1 of 1,612,890 alleles (0.000062%); highest among the groups gnomAD compares: African/African-American, 0.0013%; no homozygotes.

Submission:

Labcorp Genetics (formerly Invitae), Labcorp
Classification: Uncertain significance. Last evaluated: 2022-07-12. Review status: criteria provided, single submitter. Criteria: Invitae Variant Classification Sherloc (09022015). Collection method: clinical testing. Allele origin: germline.
Comment: In summary, the available evidence is currently insufficient to determine the role of this variant in disease. Therefore, it has been classified as a Variant of Uncertain Significance. Algorithms developed to predict the effect of missense changes on protein structure and function are either unavailable or do not agree on the potential impact of this missense change (SIFT: "Tolerated"; PolyPhen-2: "Probably Damaging"; Align-GVGD: "Class C0"). ClinVar contains an entry for this variant (Variation ID: 1440618). This variant has not been reported in the literature in individuals affected with WNT5A-related conditions. This variant is not present in population databases (gnomAD no frequency). This sequence change replaces histidine, which is basic and polar, with arginine, which is basic and polar, at codon 221 of the WNT5A protein (p.His221Arg).

NM_003392.7(WNT5A):c.662A>G (p.His221Arg)

Gene: WNT5A (Wnt family member 5A; minus strand). Cytogenetic location: 3p14.3.
Variant type: single nucleotide variant.
Coding change: c.662A>G on transcript NM_003392.7 (MANE Select); coding-DNA position 662, A replaced by G.
Protein change: p.His221Arg; replaces histidine 221 with arginine.
Molecular consequence: missense variant.
Genome position (GRCh38, 1-based): chr3:55,474,359, T>C on the plus strand (A>G on the coding strand, the complement: WNT5A is on the minus strand). VCF-style: chr3-55474359-T-C. GRCh37 (hg19) VCF-style: chr3-55508387-T-C.
Other names: c.617A>G, p.His206Arg (NM_001256105.1, NM_001377271.1, NM_001377272.1); short protein forms H206R, H221R.
Identifiers: ClinVar variation 1440618 (VCV001440618.8), dbSNP rs2051308358, ClinGen allele CA353274550.